The following is an entry in ClinVar:

ClinVar aggregate classification (germline): Conflicting classifications of pathogenicity. Review status: criteria provided, conflicting classifications (1 of 4 stars). 4 submissions from 4 submitters: Uncertain significance (2); Likely benign (2). Last evaluated 2026-01-18.

Conditions:
Inborn genetic diseases. Identifiers: MedGen C0950123, MeSH D030342.

Allele frequency attached by ClinVar (database versions not stated): gnomAD exomes 0.00011; 1000 Genomes Project 30x 0.00047; 1000 Genomes Project 0.00060; gnomAD 0.00127; TOPMed 0.00146; ESP Exome Variant Server 0.00154.

Submissions (4):

Labcorp Genetics (formerly Invitae), Labcorp
Classification: Likely benign. Last evaluated: 2026-01-18. Review status: criteria provided, single submitter. Criteria: Invitae Variant Classification Sherloc (09022015). Collection method: clinical testing. Allele origin: germline.

Ambry Genetics
Classification: Uncertain significance for Inborn genetic diseases. Last evaluated: 2025-04-16. Review status: criteria provided, single submitter. Criteria: Ambry Variant Classification Scheme 2023. Collection method: clinical testing. Allele origin: germline.

Mayo Clinic Laboratories, Mayo Clinic
Classification: Likely benign. Last evaluated: 2025-03-24. Review status: criteria provided, single submitter. Criteria: ACMG Guidelines, 2015. Collection method: clinical testing. Allele origin: germline. Observed: 1 variant allele.
Comment: BS1

Blueprint Genetics
Classification: Uncertain significance. Last evaluated: 2024-11-13. Review status: criteria provided, single submitter. Criteria: ACMG Guidelines, 2015. Collection method: clinical testing. Allele origin: germline.

NM_001378156.1(C1QB):c.601A>T (p.Asn201Tyr)

Gene: C1QB (complement C1q B chain; plus strand). Cytogenetic location: 1p36.12.
Variant type: single nucleotide variant.
Coding change: c.601A>T on transcript NM_001378156.1 (MANE Select); coding-DNA position 601, A replaced by T.
Protein change: p.Asn201Tyr; replaces asparagine 201 with tyrosine.
Molecular consequence: missense variant.
Genome position (GRCh38, 1-based): chr1:22,661,231, A>T. VCF-style: chr1-22661231-A-T. GRCh37 (hg19) VCF-style: chr1-22987724-A-T.
Other names: p.Asn203Tyr; c.607A>T (NM_000491.3); c.607A>T, p.Asn203Tyr (NM_000491.5); c.601A>T, p.Asn201Tyr (NM_001371184.3); short protein forms N201Y, N203Y.
Identifiers: ClinVar variation 1093034 (VCV001093034.12), dbSNP rs147260497, ClinGen allele CA678197.